The following is an entry in ClinVar:

ClinVar aggregate classification (germline): Benign/Likely benign. Review status: criteria provided, multiple submitters, no conflicts (2 of 4 stars). 5 submissions from 5 submitters: Benign (2); Likely benign (1). 2 of the submissions do not count toward it. Last evaluated 2025-12-14.

Conditions:
MAMLD1-related disorder. Also called: MAMLD1-related condition.

Allele frequency attached by ClinVar (database versions not stated): ESP Exome Variant Server 0.00066; TOPMed 0.00070; gnomAD 0.00097 and 0.00098; gnomAD exomes 0.00112 and 0.00152; ExAC 0.00136; 1000 Genomes Project 30x 0.00021; 1000 Genomes Project 0.00026.
gnomAD v4.1: 1,761 of 1,209,859 alleles (0.15%); highest among the groups gnomAD compares: Non-Finnish European, 0.17%; 1 homozygote.

Submissions (5):

Labcorp Genetics (formerly Invitae), Labcorp
Classification: Benign. Last evaluated: 2025-12-14. Review status: criteria provided, single submitter. Criteria: Invitae Variant Classification Sherloc (09022015). Collection method: clinical testing. Allele origin: germline.

PreventionGenetics, part of Exact Sciences
Classification: Likely benign for MAMLD1-related condition. Last evaluated: 2024-12-27. Review status: criteria provided, single submitter. Criteria: ACMG Guidelines, 2015. Collection method: clinical testing. Allele origin: germline.
Comment: This variant is classified as likely benign based on ACMG/AMP sequence variant interpretation guidelines (Richards et al. 2015 PMID: 25741868, with internal and published modifications).

Breakthrough Genomics
Classification: Benign. Review status: criteria provided, single submitter. Criteria: ACMG Guidelines, 2015. Collection method: not provided. Allele origin: germline. Inheritance: X-linked inheritance. Affected: yes.

Clinical Genetics DNA and cytogenetics Diagnostics Lab, Erasmus MC, Erasmus Medical Center
Classification: Benign. Review status: no assertion criteria provided. Collection method: clinical testing. Allele origin: germline. Affected: yes. Study: VKGL Data-share Consensus. Not counted in ClinVar's aggregate classification.

Laboratory of Diagnostic Genome Analysis, Leiden University Medical Center (LUMC)
Classification: Likely benign. Review status: no assertion criteria provided. Collection method: clinical testing. Allele origin: germline. Affected: yes. Study: VKGL Data-share Consensus. Not counted in ClinVar's aggregate classification.

NM_005491.5(MAMLD1):c.605C>T (p.Thr202Met)

Gene: MAMLD1 (mastermind like domain containing 1; plus strand). Cytogenetic location: Xq28.
Variant type: single nucleotide variant.
Coding change: c.605C>T on transcript NM_005491.5 (MANE Select); coding-DNA position 605, C replaced by T.
Protein change: p.Thr202Met; replaces threonine 202 with methionine.
Molecular consequence: missense variant.
Genome position (GRCh38, 1-based): chrX:150,470,178, C>T. VCF-style: chrX-150470178-C-T. GRCh37 (hg19) VCF-style: chrX-149638450-C-T.
Other names: c.530C>T, p.Thr177Met (NM_001400514.1, NM_001177465.3, NM_001177466.3); c.605C>T, p.Thr202Met (NM_001400515.1, NM_001400512.1, NM_001400513.1); short protein forms T202M, T177M.
Identifiers: ClinVar variation 726221 (VCV000726221.14), dbSNP rs146555522, ClinGen allele CA10538684.
Genomic context (GRCh38, chrX:150,470,178, plus strand): 5'-AGCTCACCAAAATTCAAGACCCTTCTCCAAATGAGCTAGATCTTGAGAAGATACTGGGGA[C>T]GAAGCCAGAAGAGCCACTGGTTTTAGATCATCCCCAGGCAACCCTAAGCACAACTCCCAA-3'
Protein context (NP_005482.2, residues 192-212): NELDLEKILG[Thr202Met]KPEEPLVLDH